The following is an entry in ClinVar:

NM_000518.5(HBB):c.-155C>T

Genes: HBB (hemoglobin subunit beta; minus strand), LOC106099062 (HBB recombination region; plus strand), LOC107133510 (origin of replication at HBB; plus strand). Cytogenetic location: 11p15.4.
Variant type: single nucleotide variant.
Coding change: c.-155C>T on transcript NM_000518.5 (MANE Select); 155 bases upstream of the start codon, C replaced by T.
Genome position (GRCh38, 1-based): chr11:5,227,176, G>A on the plus strand (C>T on the coding strand, the complement: HBB is on the minus strand). VCF-style: chr11-5227176-G-A. GRCh37 (hg19) VCF-style: chr11-5248406-G-A.
Identifiers: ClinVar variation 3769063 (VCV003769063.1).

ClinVar aggregate classification (germline): Uncertain significance (1 of 4 stars; one submission).

Submission:

Women's Health and Genetics/Laboratory Corporation of America, LabCorp
Classification: Uncertain significance. Last evaluated: 2025-02-13. Review status: criteria provided, single submitter. Criteria: LabCorp Variant Classification Summary - May 2015. Collection method: clinical testing. Allele origin: germline.
Comment: Variant summary: HBB c.-155C>T is located in the untranscribed region upstream of the HBB gene region. Consensus agreement among computation tools predict no significant impact on normal splicing. However, these predictions have yet to be confirmed by functional studies. The variant was absent in 31400 control chromosomes. The available data on variant occurrences in the general population are insufficient to allow any conclusion about variant significance. To our knowledge, no occurrence of c.-155C>T in individuals affected with Hemoglobinopathy and no experimental evidence demonstrating its impact on protein function have been reported. No submitters have cited clinical-significance assessments for this variant to ClinVar. Based on the evidence outlined above, the variant was classified as uncertain significance.